The following is an entry in ClinVar:

NM_203447.4(DOCK8):c.1501G>A (p.Val501Ile)

Gene: DOCK8 (dedicator of cytokinesis 8; plus strand). Cytogenetic location: 9p24.3.
Variant type: single nucleotide variant.
Coding change: c.1501G>A on transcript NM_203447.4 (MANE Select); coding-DNA position 1501, G replaced by A.
Protein change: p.Val501Ile; replaces valine 501 with isoleucine.
Molecular consequence: missense variant.
Genome position (GRCh38, 1-based): chr9:339,084, G>A. VCF-style: chr9-339084-G-A. GRCh37 (hg19) VCF-style: chr9-339084-G-A.
Other names: c.1297G>A, p.Val433Ile (NM_001190458.2, NM_001193536.2); short protein forms V433I, V501I.
Identifiers: ClinVar variation 2703615 (VCV002703615.3), dbSNP rs2538013368, ClinGen allele CA372754922.

ClinVar aggregate classification (germline): Uncertain significance (1 of 4 stars; one submission).

Conditions:
Combined immunodeficiency due to DOCK8 deficiency (HIES2). Also called: HYPER-IgE SYNDROME 2, AUTOSOMAL RECESSIVE, WITH RECURRENT INFECTIONS; DOCK8 Deficiency; HIES autosomal recessive; Hyper-IgE recurrent infection syndrome, autosomal recessive; HYPER-IgE RECURRENT INFECTION SYNDROME 2, AUTOSOMAL RECESSIVE. Identifiers: Orphanet 217390, MedGen C4722305, MONDO:0009478, OMIM 243700.

Submission:

Labcorp Genetics (formerly Invitae), Labcorp
Classification: Uncertain significance for Combined immunodeficiency due to DOCK8 deficiency. Last evaluated: 2023-06-09. Review status: criteria provided, single submitter. Criteria: Invitae Variant Classification Sherloc (09022015). Collection method: clinical testing. Allele origin: germline.
Comment: In summary, the available evidence is currently insufficient to determine the role of this variant in disease. Therefore, it has been classified as a Variant of Uncertain Significance. Advanced modeling of protein sequence and biophysical properties (such as structural, functional, and spatial information, amino acid conservation, physicochemical variation, residue mobility, and thermodynamic stability) performed at Invitae indicates that this missense variant is not expected to disrupt DOCK8 protein function. This variant has not been reported in the literature in individuals affected with DOCK8-related conditions. This variant is not present in population databases (gnomAD no frequency). This sequence change replaces valine, which is neutral and non-polar, with isoleucine, which is neutral and non-polar, at codon 501 of the DOCK8 protein (p.Val501Ile).